The following is an entry in ClinVar:

ClinVar aggregate classification (germline): Uncertain significance (1 of 4 stars; one submission).

Conditions:
Cowden syndrome (CS). Also called: Cowden's disease; Cowden's syndrome; Cowden disease. Identifiers: Orphanet 201, MedGen C0018553, MONDO:0016063. Disease mechanism: gain of function.

Submission:

Labcorp Genetics (formerly Invitae), Labcorp
Classification: Uncertain significance for Cowden syndrome. Last evaluated: 2022-10-31. Review status: criteria provided, single submitter. Criteria: Invitae Variant Classification Sherloc (09022015). Collection method: clinical testing. Allele origin: germline.
Comment: Algorithms developed to predict the effect of missense changes on protein structure and function (SIFT, PolyPhen-2, Align-GVGD) all suggest that this variant is likely to be tolerated. In summary, the available evidence is currently insufficient to determine the role of this variant in disease. Therefore, it has been classified as a Variant of Uncertain Significance. This variant has not been reported in the literature in individuals affected with PIK3CA-related conditions. This variant is not present in population databases (gnomAD no frequency). This sequence change replaces proline, which is neutral and non-polar, with leucine, which is neutral and non-polar, at codon 377 of the PIK3CA protein (p.Pro377Leu).

NM_006218.4(PIK3CA):c.1130C>T (p.Pro377Leu)

Gene: PIK3CA (phosphatidylinositol-4,5-bisphosphate 3-kinase catalytic subunit alpha; plus strand). Cytogenetic location: 3q26.32.
Variant type: single nucleotide variant.
Coding change: c.1130C>T on transcript NM_006218.4 (MANE Select); coding-DNA position 1130, C replaced by T.
Protein change: p.Pro377Leu; replaces proline 377 with leucine.
Molecular consequence: missense variant.
Genome position (GRCh38, 1-based): chr3:179,204,573, C>T. VCF-style: chr3-179204573-C-T. GRCh37 (hg19) VCF-style: chr3-178922361-C-T.
Other names: short protein forms P377L.
Identifiers: ClinVar variation 2057234 (VCV002057234.4), dbSNP rs113613074, ClinGen allele CA355283137.